The following is an entry in ClinVar:

ClinVar aggregate classification (germline): Benign (0 of 4 stars; one submission).

Conditions:
PREX2-related disorder. Also called: PREX2-related condition.

Allele frequency attached by ClinVar (database versions not stated): gnomAD exomes 0.01039; ESP Exome Variant Server 0.01099; TOPMed 0.01724; gnomAD 0.01793; ExAC 0.02402; 1000 Genomes Project 30x 0.05746; 1000 Genomes Project 0.06090.
gnomAD v4.1: 18,130 of 1,612,902 alleles (1.1%); highest among the groups gnomAD compares: East Asian, 20%; 1,176 homozygotes.

Submission:

PreventionGenetics, part of Exact Sciences
Classification: Benign for PREX2-related condition. Last evaluated: 2019-08-01. Review status: no assertion criteria provided. Collection method: clinical testing. Allele origin: germline.
Comment: This variant is classified as benign based on ACMG/AMP sequence variant interpretation guidelines (Richards et al. 2015 PMID: 25741868, with internal and published modifications).

NM_024870.4(PREX2):c.4463C>T (p.Ser1488Leu)

Gene: PREX2 (phosphatidylinositol-3,4,5-trisphosphate dependent Rac exchange factor 2; plus strand). Cytogenetic location: 8q13.2.
Variant type: single nucleotide variant.
Coding change: c.4463C>T on transcript NM_024870.4 (MANE Select); coding-DNA position 4463, C replaced by T.
Protein change: p.Ser1488Leu; replaces serine 1488 with leucine.
Molecular consequence: missense variant.
Genome position (GRCh38, 1-based): chr8:68,192,384, C>T. VCF-style: chr8-68192384-C-T. GRCh37 (hg19) VCF-style: chr8-69104619-C-T.
Other names: short protein forms S1488L.
Identifiers: ClinVar variation 3038089 (VCV003038089.2), dbSNP rs61753704, ClinGen allele CA4774801.